The following is an entry in ClinVar:

NM_001081.4(CUBN):c.4171T>C (p.Cys1391Arg)

Gene: CUBN (cubilin; minus strand). Cytogenetic location: 10p13.
Variant type: single nucleotide variant.
Coding change: c.4171T>C on transcript NM_001081.4 (MANE Select); coding-DNA position 4171, T replaced by C.
Protein change: p.Cys1391Arg; replaces cysteine 1391 with arginine.
Molecular consequence: missense variant.
Genome position (GRCh38, 1-based): chr10:16,990,513, A>G on the plus strand (T>C on the coding strand, the complement: CUBN is on the minus strand). VCF-style: chr10-16990513-A-G. GRCh37 (hg19) VCF-style: chr10-17032512-A-G.
Other names: short protein forms C1391R.
Identifiers: ClinVar variation 3593340 (VCV003593340.11).

ClinVar aggregate classification (germline): Uncertain significance. Review status: criteria provided, multiple submitters, no conflicts (2 of 4 stars). 2 submissions from 2 submitters: Uncertain significance (2). Last evaluated 2025-06-01.

Conditions:
Imerslund-Grasbeck syndrome type 1 (IGS1). Also called: Imerslund-Gräsbeck syndrome 1; Megaloblastic anemia 1, Finnish type; MEGALOBLASTIC ANEMIA, 1. Identifiers: MedGen C4016819, MONDO:0100156, OMIM 261100.
Proteinuria, chronic benign. Identifiers: MedGen C5394384, MONDO:0030042, OMIM 618884.

Submissions (2):

CeGaT Center for Human Genetics Tuebingen
Classification: Uncertain significance. Last evaluated: 2025-06-01. Review status: criteria provided, single submitter. Criteria: CeGaT Center For Human Genetics Tuebingen Variant Classification Criteria Version 2. Collection method: clinical testing. Allele origin: germline. Affected: yes. Observed: 1 variant allele.
Comment: CUBN: PM2, PP4

Fulgent Genetics
Classification: Uncertain significance for Imerslund-Grasbeck syndrome type 1; Proteinuria, chronic benign. Last evaluated: 2024-05-18. Review status: criteria provided, single submitter. Criteria: ACMG Guidelines, 2015. Collection method: clinical testing. Allele origin: germline.